The following is an entry in ClinVar:

NM_004564.3(GATB):c.1065C>T (p.Pro355=)

Gene: GATB (glutamyl-tRNA amidotransferase subunit B; minus strand). Cytogenetic location: 4q31.3.
Variant type: single nucleotide variant.
Coding change: c.1065C>T on transcript NM_004564.3 (MANE Select); coding-DNA position 1065, C replaced by T.
Protein change: p.Pro355=; no amino-acid change (proline 355 retained).
Molecular consequence: synonymous variant.
Genome position (GRCh38, 1-based): chr4:151,701,461, G>A on the plus strand (C>T on the coding strand, the complement: GATB is on the minus strand). VCF-style: chr4-151701461-G-A. GRCh37 (hg19) VCF-style: chr4-152622613-G-A.
Other names: c.1065C>T, p.Pro355= (NM_001363341.2).
Identifiers: ClinVar variation 1695113 (VCV001695113.31), dbSNP rs532325104, ClinGen allele CA3105709.
Genomic context (GRCh38, chr4:151,701,461, plus strand): 5'-CTCCGGGAGTGTCTCCCGAATCTGGTCAATATTGATCACTTGCTGTGGGTCTGCACCTGC[G>A]GGCAGAGATGTGGCGTCGTAGAGCACCAGGGGAGGCAGGTTGGGTTCTGGCATGAACCTG-3'
Protein context (NP_004555.1, residues 345-365): PLVLYDATSL[Pro355=]AGADPQQVIN

ClinVar aggregate classification (germline): Likely benign (1 of 4 stars; one submission).

Allele frequency attached by ClinVar (database versions not stated): gnomAD 0.00006; TOPMed 0.00006.
gnomAD v4.1: 158 of 1,596,714 alleles (0.0099%); highest among the groups gnomAD compares: Non-Finnish European, 0.012%; no homozygotes.

Submission:

CeGaT Center for Human Genetics Tuebingen
Classification: Likely benign. Last evaluated: 2022-05-01. Review status: criteria provided, single submitter. Criteria: CeGaT Center For Human Genetics Tuebingen Variant Classification Criteria Version 2. Collection method: clinical testing. Allele origin: germline. Affected: yes. Observed: 1 variant allele.
Comment: GATB: BP4, BP7